The following is an entry in ClinVar:

ClinVar aggregate classification (germline): Benign/Likely benign. Review status: criteria provided, multiple submitters, no conflicts (2 of 4 stars). 6 submissions from 6 submitters: Benign (1); Likely benign (5). Last evaluated 2026-01-13.

Conditions:
Epidermolysis bullosa simplex 5B, with muscular dystrophy (EBS5B). Also called: EPIDERMOLYSIS BULLOSA SIMPLEX AND LIMB-GIRDLE MUSCULAR DYSTROPHY; Epidermolysis bullosa simplex with muscular dystrophy. Identifiers: Orphanet 257, MedGen C2931072, MONDO:0009181, OMIM 226670.
Autosomal recessive limb-girdle muscular dystrophy type 2Q (LGMDR17). Also called: MUSCULAR DYSTROPHY, LIMB-GIRDLE, AUTOSOMAL RECESSIVE 17. Identifiers: Orphanet 254361, MedGen C3150989, MONDO:0013390, OMIM 613723.
Epidermolysis bullosa simplex, Ogna type (EBS5A). Also called: Pidermolysis bullosa simplex 5A, Ogna type; EPIDERMOLYSIS BULLOSA SIMPLEX 5A, OGNA TYPE. Identifiers: Orphanet 79401, MedGen C0432317, MONDO:0007555, OMIM 131950.
Epidermolysis bullosa simplex with nail dystrophy (EBS5D). Identifiers: MedGen C4225309, MONDO:0014661, OMIM 616487.
Epidermolysis bullosa simplex 5C, with pyloric atresia (EBS5C). Also called: PLEC-Related Epidermolysis Bullosa with Pyloric Atresia; Epidermolysis bullosa simplex with pyloric atresia; PLEC1-Related Epidermolysis Bullosa with Pyloric Atresia. Identifiers: Orphanet 158684, MedGen C2677349, MONDO:0012807, OMIM 612138.

Allele frequency attached by ClinVar (database versions not stated): gnomAD exomes 0.00036; ExAC 0.00049; gnomAD 0.00117 and 0.00119; ESP Exome Variant Server 0.00123; TOPMed 0.00123; 1000 Genomes Project 0.00240; 1000 Genomes Project 30x 0.00250.

Submissions (6):

Labcorp Genetics (formerly Invitae), Labcorp
Classification: Benign for Autosomal recessive limb-girdle muscular dystrophy type 2Q; Epidermolysis bullosa simplex, Ogna type; Epidermolysis bullosa simplex with nail dystrophy; Epidermolysis bullosa simplex 5C, with pyloric atresia; Epidermolysis bullosa simplex 5B, with muscular dystrophy. Last evaluated: 2026-01-13. Review status: criteria provided, single submitter. Criteria: Invitae Variant Classification Sherloc (09022015). Collection method: clinical testing. Allele origin: germline.

Mayo Clinic Laboratories, Mayo Clinic
Classification: Likely benign. Last evaluated: 2025-01-21. Review status: criteria provided, single submitter. Criteria: ACMG Guidelines, 2015. Collection method: clinical testing. Allele origin: germline. Observed: 1 variant allele.
Comment: BS1, BP4, BP7

Blueprint Genetics
Classification: Likely benign. Last evaluated: 2024-05-13. Review status: criteria provided, single submitter. Criteria: ACMG Guidelines, 2015. Collection method: clinical testing. Allele origin: germline.

GeneDx
Classification: Likely benign. Last evaluated: 2019-12-12. Review status: criteria provided, single submitter. Criteria: GeneDx Variant Classification Process June 2021. Collection method: clinical testing. Allele origin: germline. Affected: yes.

Eurofins Ntd Llc (ga)
Classification: Likely benign. Last evaluated: 2017-01-06. Review status: criteria provided, single submitter. Criteria: EGL Classification Definitions 2015. Collection method: clinical testing. Allele origin: germline. Observed: 1 variant allele, 1 heterozygote.

Breakthrough Genomics
Classification: Likely benign. Review status: criteria provided, single submitter. Criteria: ACMG Guidelines, 2015. Collection method: not provided. Allele origin: germline. Inheritance: Autosomal recessive inheritance. Affected: yes.

NM_201384.3(PLEC):c.10260C>T (p.Pro3420=)

Gene: PLEC (plectin; minus strand). Cytogenetic location: 8q24.3.
Variant type: single nucleotide variant.
Coding change: c.10260C>T on transcript NM_201384.3 (MANE Select); coding-DNA position 10260, C replaced by T.
Protein change: p.Pro3420=; no amino-acid change (proline 3420 retained).
Molecular consequence: synonymous variant.
Genome position (GRCh38, 1-based): chr8:143,919,561, G>A on the plus strand (C>T on the coding strand, the complement: PLEC is on the minus strand). VCF-style: chr8-143919561-G-A. GRCh37 (hg19) VCF-style: chr8-144993729-G-A.
Other names: p.Pro3447=; c.10341C>T, p.Pro3447= (NM_000445.5); c.10218C>T, p.Pro3406= (NM_201378.4); c.10194C>T, p.Pro3398= (NM_201379.3); c.10671C>T, p.Pro3557= (NM_201380.4); c.10164C>T, p.Pro3388= (NM_201381.3); c.10260C>T, p.Pro3420= (NM_201382.4); c.10272C>T, p.Pro3424= (NM_201383.3).
Identifiers: ClinVar variation 499684 (VCV000499684.20), dbSNP rs62642463, ClinGen allele CA4924707.
Genomic context (GRCh38, chr8:143,919,561, plus strand): 5'-GTAGGGGTCTCTGTAGCCGGTGACGGCCTTCTCGGCAGACAGCAGCTGCTCGTGAAGCTC[G>A]GGGCCCACCACGCCCGCCTTCACGGCCTCGTGGACATACAGGCGCTGGTTCCGCACGGGG-3'
Protein context (NP_958786.1, residues 3410-3430): HEAVKAGVVG[Pro3420=]ELHEQLLSAE